The following is an entry in ClinVar:

NM_000283.4(PDE6B):c.1655G>A (p.Arg552Gln)

Gene: PDE6B (phosphodiesterase 6B; plus strand). Cytogenetic location: 4p16.3.
Variant type: single nucleotide variant.
Coding change: c.1655G>A on transcript NM_000283.4 (MANE Select); coding-DNA position 1655, G replaced by A.
Protein change: p.Arg552Gln; replaces arginine 552 with glutamine.
Molecular consequence: missense variant.
Genome position (GRCh38, 1-based): chr4:662,174, G>A. VCF-style: chr4-662174-G-A. GRCh37 (hg19) VCF-style: chr4-655963-G-A.
Other names: c.1655G>A, p.Arg552Gln (NM_001145291.2); c.818G>A, p.Arg273Gln (NM_001145292.2, NM_001350154.3, NM_001379246.1 and 1 more transcripts); c.500G>A, p.Arg167Gln (NM_001350155.3); short protein forms R167Q, R273Q, R552Q.
Identifiers: ClinVar variation 964268 (VCV000964268.15), dbSNP rs751859807, ClinGen allele CA2794628.

ClinVar aggregate classification (germline): Pathogenic/Likely pathogenic. Review status: criteria provided, multiple submitters, no conflicts (2 of 4 stars). 6 submissions from 6 submitters: Pathogenic (4); Likely pathogenic (1). 1 of the submissions does not count toward it. Last evaluated 2025-09-08.

Conditions:
Retinal dystrophy. Also called: Inherited retinal dystrophy. Identifiers: Orphanet 71862, MedGen C0854723, MeSH D058499, MONDO:0019118, HP:0000556.
PDE6B-related disorder. Also called: PDE6B-related disorders; PDE6B-related disease; PDE6B-related condition.

Allele frequency attached by ClinVar (database versions not stated): TOPMed below 0.00001; gnomAD 0.00002; gnomAD exomes 0.00002; ExAC 0.00003.
gnomAD v4.1: 16 of 1,579,712 alleles (0.001%); highest among the groups gnomAD compares: East Asian, 0.0046%; no homozygotes.

Submissions (6):

Labcorp Genetics (formerly Invitae), Labcorp
Classification: Pathogenic. Last evaluated: 2025-09-08. Review status: criteria provided, single submitter. Criteria: Invitae Variant Classification Sherloc (09022015). Collection method: clinical testing. Allele origin: germline.
Comment: This sequence change replaces arginine, which is basic and polar, with glutamine, which is neutral and polar, at codon 552 of the PDE6B protein (p.Arg552Gln). The frequency data for this variant in the population databases is considered unreliable, as metrics indicate poor data quality at this position in the gnomAD database. This missense change has been observed in individuals with autosomal recessive retinitis pigmentosa (PMID: 8956055, 21655355, 28559085). It has also been observed to segregate with disease in related individuals. ClinVar contains an entry for this variant (Variation ID: 964268). Invitae Evidence Modeling of protein sequence and biophysical properties (such as structural, functional, and spatial information, amino acid conservation, physicochemical variation, residue mobility, and thermodynamic stability) indicates that this missense variant is expected to disrupt PDE6B protein function with a positive predictive value of 80%. For these reasons, this variant has been classified as Pathogenic.

Revvity Omics, Revvity
Classification: Pathogenic. Last evaluated: 2025-05-16. Review status: criteria provided, single submitter. Criteria: ACMG Guidelines, 2015. Collection method: clinical testing. Allele origin: germline.

Institute of Human Genetics, Univ. Regensburg, Univ. Regensburg
Classification: Pathogenic for Retinal dystrophy. Last evaluated: 2023-01-01. Review status: criteria provided, single submitter. Criteria: ACMG Guidelines, 2015. Collection method: clinical testing. Allele origin: germline. Affected: yes.

Blueprint Genetics
Classification: Pathogenic for PDE6B-related disorders. Last evaluated: 2022-10-28. Review status: criteria provided, single submitter. Criteria: ACMG Guidelines, 2015. Collection method: clinical testing. Allele origin: germline. Affected: yes. Observed: 3 variant alleles.

GeneDx
Classification: Likely pathogenic. Last evaluated: 2022-04-05. Review status: criteria provided, single submitter. Criteria: GeneDx Variant Classification Process June 2021. Collection method: clinical testing. Allele origin: germline. Affected: yes.
Comment: Not observed at significant frequency in large population cohorts (gnomAD); In silico analysis supports that this missense variant has a deleterious effect on protein structure/function; This variant is associated with the following publications: (PMID: 28559085, 8956055, 33090715, 21655355, 27588261, 30998820)

PreventionGenetics, part of Exact Sciences
Classification: Pathogenic for PDE6B-related condition. Last evaluated: 2024-07-24. Review status: no assertion criteria provided. Collection method: clinical testing. Allele origin: germline. Not counted in ClinVar's aggregate classification.
Comment: The PDE6B c.1655G>A variant is predicted to result in the amino acid substitution p.Arg552Gln. This variant has been reported in the compound heterozygous state in several individuals with retinitis pigmentosa (see for examples: Table S1, Stone et al. 2017. PubMed ID: 28559085; Table S1, Karali et al. 2022. PubMed ID: 36460718; Table S1, Schlottmann et al. 2023. PubMed ID: 37217489). This variant is reported in 0.0039% of alleles in individuals of South Asian descent in gnomAD. Given the evidence, we interpret this variant as pathogenic.

Literature cited by the submitters: PubMed 8956055 (cited by Labcorp Genetics (formerly Invitae), Labcorp and Institute of Human Genetics, Univ. Regensburg, Univ. Regensburg); PubMed 21655355 (cited by Labcorp Genetics (formerly Invitae), Labcorp); PubMed 28559085 (cited by Labcorp Genetics (formerly Invitae), Labcorp and Institute of Human Genetics, Univ. Regensburg, Univ. Regensburg); PubMed 30998820 (cited by Institute of Human Genetics, Univ. Regensburg, Univ. Regensburg); PubMed 33090715 (cited by Institute of Human Genetics, Univ. Regensburg, Univ. Regensburg); PubMed 36460718 (cited by Institute of Human Genetics, Univ. Regensburg, Univ. Regensburg); PubMed 36819107 (cited by Institute of Human Genetics, Univ. Regensburg, Univ. Regensburg).